The following is an entry in ClinVar:

NM_014264.5(PLK4):c.1936-17A>G

Gene: PLK4 (polo like kinase 4; plus strand). Cytogenetic location: 4q28.1.
Variant type: single nucleotide variant.
Coding change: c.1936-17A>G on transcript NM_014264.5 (MANE Select); 17 bases into the intron before coding-DNA position 1936, A replaced by G.
Molecular consequence: intron variant.
Genome position (GRCh38, 1-based): chr4:127,891,562, A>G. VCF-style: chr4-127891562-A-G. GRCh37 (hg19) VCF-style: chr4-128812717-A-G.
Other names: c.1840-17A>G (NM_001190799.2); c.1813-17A>G (NM_001190801.2).
Identifiers: ClinVar variation 1997962 (VCV001997962.1), dbSNP rs897181065, ClinGen allele CA105640092.

ClinVar aggregate classification (germline): Uncertain significance (1 of 4 stars; one submission).

gnomAD v4.1: 1 of 1,264,754 alleles (0.000079%); no homozygotes.

Submission:

Labcorp Genetics (formerly Invitae), Labcorp
Classification: Uncertain significance. Last evaluated: 2022-05-22. Review status: criteria provided, single submitter. Criteria: Invitae Variant Classification Sherloc (09022015). Collection method: clinical testing. Allele origin: germline.
Comment: This sequence change falls in intron 8 of the PLK4 gene. It does not directly change the encoded amino acid sequence of the PLK4 protein. This variant is not present in population databases (gnomAD no frequency). This variant has not been reported in the literature in individuals affected with PLK4-related conditions. Algorithms developed to predict the effect of sequence changes on RNA splicing suggest that this variant may disrupt the consensus splice site. In summary, the available evidence is currently insufficient to determine the role of this variant in disease. Therefore, it has been classified as a Variant of Uncertain Significance.